The following is an entry in ClinVar:

NM_001184.4(ATR):c.650T>C (p.Ile217Thr)

Gene: ATR (ATR checkpoint kinase; minus strand). Cytogenetic location: 3q23.
Variant type: single nucleotide variant.
Coding change: c.650T>C on transcript NM_001184.4 (MANE Select); coding-DNA position 650, T replaced by C.
Protein change: p.Ile217Thr; replaces isoleucine 217 with threonine.
Molecular consequence: missense variant.
Genome position (GRCh38, 1-based): chr3:142,562,752, A>G on the plus strand (T>C on the coding strand, the complement: ATR is on the minus strand). VCF-style: chr3-142562752-A-G. GRCh37 (hg19) VCF-style: chr3-142281594-A-G.
Other names: c.650T>C, p.Ile217Thr (NM_001354579.2); short protein forms I217T.
Identifiers: ClinVar variation 3221251 (VCV003221251.2), dbSNP rs2473428441, ClinGen allele CA354826134.

ClinVar aggregate classification (germline): Uncertain significance. Review status: criteria provided, multiple submitters, no conflicts (2 of 4 stars). 2 submissions from 2 submitters: Uncertain significance (2). Last evaluated 2025-12-19.

Conditions:
Inborn genetic diseases. Identifiers: MedGen C0950123, MeSH D030342.

Submissions (2):

Labcorp Genetics (formerly Invitae), Labcorp
Classification: Uncertain significance. Last evaluated: 2025-12-19. Review status: criteria provided, single submitter. Criteria: Invitae Variant Classification Sherloc (09022015). Collection method: clinical testing. Allele origin: germline.
Comment: This sequence change replaces isoleucine, which is neutral and non-polar, with threonine, which is neutral and polar, at codon 217 of the ATR protein (p.Ile217Thr). This variant is not present in population databases (gnomAD no frequency). This variant has not been reported in the literature in individuals affected with ATR-related conditions. ClinVar contains an entry for this variant (Variation ID: 3221251). An algorithm developed to predict the effect of missense changes on protein structure and function (PolyPhen-2) suggests that this variant is likely to be tolerated. In summary, the available evidence is currently insufficient to determine the role of this variant in disease. Therefore, it has been classified as a Variant of Uncertain Significance.

Ambry Genetics
Classification: Uncertain significance for Inborn genetic diseases. Last evaluated: 2023-11-14. Review status: criteria provided, single submitter. Criteria: Ambry Variant Classification Scheme 2023. Collection method: clinical testing. Allele origin: germline.
Comment: The p.I217T variant (also known as c.650T>C), located in coding exon 4 of the ATR gene, results from a T to C substitution at nucleotide position 650. The isoleucine at codon 217 is replaced by threonine, an amino acid with similar properties. This amino acid position is conserved. In addition, this alteration is predicted to be tolerated by in silico analysis. Since supporting evidence is limited at this time, the clinical significance of this alteration remains unclear.